The following is an entry in ClinVar:

ClinVar aggregate classification (germline): Uncertain significance (1 of 4 stars; one submission).

Conditions:
Dyskeratosis congenita. Identifiers: Orphanet 1775, MedGen C0265965, MONDO:0015780.

Submission:

Labcorp Genetics (formerly Invitae), Labcorp
Classification: Uncertain significance for Dyskeratosis congenita. Last evaluated: 2023-06-27. Review status: criteria provided, single submitter. Criteria: Invitae Variant Classification Sherloc (09022015). Collection method: clinical testing. Allele origin: germline.
Comment: In summary, the available evidence is currently insufficient to determine the role of this variant in disease. Therefore, it has been classified as a Variant of Uncertain Significance. Experimental studies and prediction algorithms are not available or were not evaluated, and the functional significance of this variant is currently unknown. This variant has not been reported in the literature in individuals affected with NHP2-related conditions. This variant is not present in population databases (gnomAD no frequency). This sequence change affects the initiator methionine of the NHP2 mRNA. The next in-frame methionine is located at codon 79.

NM_017838.4(NHP2):c.2T>G (p.Met1Arg)

Gene: NHP2 (NHP2 ribonucleoprotein; minus strand). Cytogenetic location: 5q35.3.
Variant type: single nucleotide variant.
Coding change: c.2T>G on transcript NM_017838.4 (MANE Select); coding-DNA position 2, T replaced by G.
Protein change: p.Met1Arg; changes the start codon (methionine 1).
Molecular consequence: missense variant, initiator codon variant.
Genome position (GRCh38, 1-based): chr5:178,153,816, A>C on the plus strand (T>G on the coding strand, the complement: NHP2 is on the minus strand). VCF-style: chr5-178153816-A-C. GRCh37 (hg19) VCF-style: chr5-177580817-A-C.
Other names: c.2T>G, p.Met1Arg (NM_001034833.2, NM_001396110.1); short protein forms M1R.
Identifiers: ClinVar variation 2729813 (VCV002729813.3), dbSNP rs1482575448, ClinGen allele CA362393259.